The following is an entry in ClinVar:

ClinVar aggregate classification (germline): Uncertain significance (1 of 4 stars; one submission).

Submission:

Ambry Genetics
Classification: Uncertain significance. Last evaluated: 2022-07-19. Review status: criteria provided, single submitter. Criteria: Ambry Variant Classification Scheme 2023. Collection method: clinical testing. Allele origin: germline.
Comment: The p.A380V variant (also known as c.1139C>T), located in coding exon 3 of the TERF2IP gene, results from a C to T substitution at nucleotide position 1139. The alanine at codon 380 is replaced by valine, an amino acid with similar properties. This amino acid position is conserved. In addition, this alteration is predicted to be tolerated by in silico analysis. Since supporting evidence is limited at this time, the clinical significance of this alteration remains unclear.

NM_018975.4(TERF2IP):c.1139C>T (p.Ala380Val)

Gene: TERF2IP (TERF2 interacting protein; plus strand). Cytogenetic location: 16q23.1.
Variant type: single nucleotide variant.
Coding change: c.1139C>T on transcript NM_018975.4 (MANE Select); coding-DNA position 1139, C replaced by T.
Protein change: p.Ala380Val; replaces alanine 380 with valine.
Molecular consequence: missense variant. On other transcripts: non-coding transcript variant (1).
Genome position (GRCh38, 1-based): chr16:75,656,550, C>T. VCF-style: chr16-75656550-C-T. GRCh37 (hg19) VCF-style: chr16-75690448-C-T.
Other names: short protein forms A380V.
Identifiers: ClinVar variation 1730585 (VCV001730585.2), dbSNP rs774167864, ClinGen allele CA396820347.